The following is an entry in ClinVar:

NM_000179.3(MSH6):c.2815C>T (p.Gln939Ter)

Gene: MSH6 (mutS homolog 6; plus strand). Cytogenetic location: 2p16.3.
Variant type: single nucleotide variant.
Coding change: c.2815C>T on transcript NM_000179.3 (MANE Select); coding-DNA position 2815, C replaced by T.
Protein change: p.Gln939Ter; replaces glutamine 939 with a stop codon.
Molecular consequence: nonsense.
Genome position (GRCh38, 1-based): chr2:47,800,798, C>T. VCF-style: chr2-47800798-C-T. GRCh37 (hg19) VCF-style: chr2-48027937-C-T.
Other names: c.2425C>T, p.Gln809Ter (NM_001281492.2); c.1909C>T, p.Gln637Ter (NM_001281493.2, NM_001281494.2); short protein forms Q939*, Q637*, Q809*.
Identifiers: ClinVar variation 89318 (VCV000089318.9), dbSNP rs63750140, ClinGen allele CA010943.
Genomic context (GRCh38, chr2:47,800,798, plus strand): 5'-GAAAAGGCTCGAAAGACTGGACTTATTACTCCCAAAGCAGGCTTTGACTCTGATTATGAC[C>T]AAGCTCTTGCTGACATAAGAGAAAATGAACAGAGCCTCCTGGAATACCTAGAGAAACAGC-3'

ClinVar aggregate classification (germline): Pathogenic. Review status: reviewed by expert panel (3 of 4 stars). 4 submissions from 4 submitters: Pathogenic (1). 3 of the submissions do not count toward it. Last evaluated 2013-09-05.

Conditions:
Hereditary nonpolyposis colorectal neoplasms. Identifiers: MedGen C0009405, MeSH D003123.
Lynch syndrome. Identifiers: Orphanet 144, MedGen C4552100, MONDO:0005835. Disease mechanism: loss of function.
Lynch syndrome 5 (LYNCH5). Also called: Colorectal cancer, hereditary nonpolyposis, type 5; Hereditary non-polyposis colorectal cancer, type 5. Identifiers: Orphanet 144, MedGen C1833477, MONDO:0013710, OMIM 614350. Disease mechanism: loss of function.
Hereditary cancer-predisposing syndrome. Also called: Tumor predisposition; Hereditary Cancer Syndrome; Hereditary neoplastic syndrome; Neoplastic Syndromes, Hereditary. Identifiers: Orphanet 140162, MedGen C0027672, MeSH D009386, MONDO:0015356.

Submissions (4):

International Society for Gastrointestinal Hereditary Tumours (InSiGHT)
Classification: Pathogenic for Lynch Syndrome. Last evaluated: 2013-09-05. Review status: reviewed by expert panel. Criteria: Guidelines v1.9. Collection method: research. Allele origin: germline.
Comment: Coding sequence variation resulting in a stop codon

Classified with v1.9 guidelines

Labcorp Genetics (formerly Invitae), Labcorp
Classification: Pathogenic for Hereditary nonpolyposis colorectal neoplasms. Last evaluated: 2024-02-06. Review status: criteria provided, single submitter. Criteria: Invitae Variant Classification Sherloc (09022015). Collection method: clinical testing. Allele origin: germline. Not counted in ClinVar's aggregate classification.
Comment: This sequence change creates a premature translational stop signal (p.Gln939*) in the MSH6 gene. It is expected to result in an absent or disrupted protein product. Loss-of-function variants in MSH6 are known to be pathogenic (PMID: 18269114, 24362816). This variant is not present in population databases (gnomAD no frequency). This premature translational stop signal has been observed in individual(s) with colorectal cancer and/or endometrial cancer (PMID: 17117178, 26517685). ClinVar contains an entry for this variant (Variation ID: 89318). For these reasons, this variant has been classified as Pathogenic.

Myriad Genetics, Inc.
Classification: Pathogenic for Lynch syndrome 5. Last evaluated: 2023-08-21. Review status: criteria provided, single submitter. Criteria: Myriad Autosomal Dominant, Autosomal Recessive and X-Linked Classification Criteria (2023). Collection method: clinical testing. Allele origin: unknown. Not counted in ClinVar's aggregate classification.
Comment: This variant is considered pathogenic. This variant creates a termination codon and is predicted to result in premature protein truncation.

Ambry Genetics
Classification: Pathogenic for Hereditary cancer-predisposing syndrome. Last evaluated: 2021-04-08. Review status: criteria provided, single submitter. Criteria: Ambry Variant Classification Scheme 2023. Collection method: clinical testing. Allele origin: germline. Not counted in ClinVar's aggregate classification.
Comment: The p.Q939* pathogenic mutation (also known as c.2815C>T), located in coding exon 4 of the MSH6 gene, results from a C to T substitution at nucleotide position 2851. This changes the amino acid from a glutamine to a stop codon within coding exon 4. The ileum tumor showed microsatellite instability and a loss of MSH6 staining on IHC. This individual also had a family history of HNPCC associated cancers (Overbeek LI et al. Br J Cancer. 2007 May 21;96(10):1605-12). In another study, this variant was reported in 1/60,466 breast cancer cases and in 0/53,461 controls (Dorling et al. N Engl J Med, 2021 02;384:428-439). In addition to the clinical data presented in the literature, this alteration is expected to result in loss of function by premature protein truncation or nonsense-mediated mRNA decay. As such, this alteration is interpreted as a disease-causing mutation.

Literature cited by the submitters: PubMed 18269114 (cited by Labcorp Genetics (formerly Invitae), Labcorp); PubMed 24362816 (cited by Labcorp Genetics (formerly Invitae), Labcorp); PubMed 17117178 (cited by Labcorp Genetics (formerly Invitae), Labcorp and Ambry Genetics); PubMed 26517685 (cited by Labcorp Genetics (formerly Invitae), Labcorp and Ambry Genetics); PubMed 17453009 (cited by Ambry Genetics); PubMed 21081928 (cited by Ambry Genetics); PubMed 26200421 (cited by Ambry Genetics); PubMed 33471991 (cited by Ambry Genetics).